The following is an entry in ClinVar:

ClinVar aggregate classification (germline): Uncertain significance (1 of 4 stars; one submission).

Conditions:
Intellectual developmental disorder, autosomal dominant 71, with behavioral abnormalities (MRD71). Identifiers: MedGen C5830437, MONDO:0957228, OMIM 620330.

Submission:

Pittsburgh Clinical Genomics Laboratory, University of Pittsburgh Medical Center
Classification: Uncertain significance for Intellectual developmental disorder, autosomal dominant 71, with behavioral abnormalities. Last evaluated: 2024-02-12. Review status: criteria provided, single submitter. Criteria: ACMG Guidelines, 2015. Collection method: clinical testing. Allele origin: germline. Inheritance: Autosomal dominant inheritance. Affected: yes.
Comment: This sequence variant is a single nucleotide substitution (G>T) at position 94 of the coding sequence of the RFX7 gene that results in an alanine to serine amino acid change at residue 32 of the regulatory factor X7 protein. This variant is absent from ClinVar and has not been observed in individuals affected by a RFX7-related disorder in the published literature, to our knowledge. This variant is absent from the gnomAD v4.0.0 population database (0/365288 alleles). Bioinformatic tools are inconclusive if this amino acid change will be damaging or tolerated, and the Ala32 residue at this position is moderately conserved across the vertebrate species examined. Studies examining the functional consequence of this variant have not been published, to our knowledge. At this time, there is insufficient evidence to determine if this variant is pathogenic or benign. Therefore, we consider this a variant of uncertain significance. ACMG Criteria: PM2

NM_022841.7(RFX7):c.94G>T (p.Ala32Ser)

Gene: RFX7 (regulatory factor X7; minus strand). Cytogenetic location: 15q21.3.
Variant type: single nucleotide variant.
Coding change: c.94G>T on transcript NM_022841.7 (MANE Select); coding-DNA position 94, G replaced by T.
Protein change: p.Ala32Ser; replaces alanine 32 with serine.
Molecular consequence: missense variant. On other transcripts: 5 prime UTR variant (1).
Genome position (GRCh38, 1-based): chr15:56,243,192, C>A on the plus strand (G>T on the coding strand, the complement: RFX7 is on the minus strand). VCF-style: chr15-56243192-C-A. GRCh37 (hg19) VCF-style: chr15-56535390-C-A.
Other names: c.-164G>T (NM_001368073.2); c.94G>T, p.Ala32Ser (NM_001370561.1); short protein forms A32S.
Identifiers: ClinVar variation 3376358 (VCV003376358.1).